The following is an entry in ClinVar:

ClinVar aggregate classification (germline): Pathogenic/Likely pathogenic. Review status: criteria provided, multiple submitters, no conflicts (2 of 4 stars). 2 submissions from 2 submitters: Pathogenic (1); Likely pathogenic (1). Last evaluated 2025-07-08.

Conditions:
Hereditary cancer-predisposing syndrome. Also called: Tumor predisposition; Hereditary Cancer Syndrome; Neoplastic Syndromes, Hereditary; Hereditary neoplastic syndrome. Identifiers: Orphanet 140162, MedGen C0027672, MeSH D009386, MONDO:0015356.
Hereditary pheochromocytoma and paraganglioma. Also called: Hereditary paragangliomas and pheochromocytomas; Hereditary Paraganglioma-Pheochromocytoma Syndromes; Hereditary pheochromocytoma-paraganglioma. Identifiers: Orphanet 29072, MedGen C4274332, MONDO:0017366.

Submissions (2):

Ambry Genetics
Classification: Likely pathogenic for Hereditary cancer-predisposing syndrome. Last evaluated: 2025-07-08. Review status: criteria provided, single submitter. Criteria: Ambry Variant Classification Scheme 2023. Collection method: clinical testing. Allele origin: germline.
Comment: The c.76delC variant, located in coding exon 2 of the SDHAF2 gene, results from a deletion of one nucleotide at nucleotide position 76, causing a translational frameshift with a predicted alternate stop codon (p.L26Sfs*3). The predicted stop codon occurs in the 5&rsquo; end of theSDHAF2 gene. Premature termination codons in the 5&rsquo; end of a gene have been reported to escape nonsense-mediated mRNAdecay and/or lead to re-initiation (Rivas et al. Science. 2015 May 8;348(6235):666-9; Lindeboom et al. Nat Genet. 2016 Oct;48(10):1112-8; Rhee et al. Sci Rep. 2017 May 10;7(1):1653). Direct evidence for this alteration is unavailable, however premature termination codons are typically deleterious in nature. This variant is considered to be rare based on population cohorts in the Genome Aggregation Database (gnomAD). Based on the majority of available evidence to date, this variant is likely to be pathogenic.

Labcorp Genetics (formerly Invitae), Labcorp
Classification: Pathogenic for Hereditary pheochromocytoma and paraganglioma. Last evaluated: 2024-10-02. Review status: criteria provided, single submitter. Criteria: Invitae Variant Classification Sherloc (09022015). Collection method: clinical testing. Allele origin: germline.
Comment: This sequence change creates a premature translational stop signal (p.Leu26Serfs*3) in the SDHAF2 gene. It is expected to result in an absent or disrupted protein product. Loss-of-function variants in SDHAF2 are known to be pathogenic (PMID: 22241717, 26096992). This variant is not present in population databases (gnomAD no frequency). This variant has not been reported in the literature in individuals affected with SDHAF2-related conditions. For these reasons, this variant has been classified as Pathogenic.

Literature cited by the submitters: PubMed 22241717 (cited by Labcorp Genetics (formerly Invitae), Labcorp); PubMed 26096992 (cited by Labcorp Genetics (formerly Invitae), Labcorp).

NM_017841.4(SDHAF2):c.76del (p.Leu26fs)

Gene: SDHAF2 (succinate dehydrogenase complex assembly factor 2; plus strand). Cytogenetic location: 11q12.2.
Variant type: Deletion.
Coding change: c.76del on transcript NM_017841.4 (MANE Select); coding-DNA position 76, one base deleted (C; older notation c.76delC).
Protein change: p.Leu26fs; shifts the reading frame from leucine 26.
Molecular consequence: frameshift variant.
Genome position (GRCh38, 1-based): chr11:61,437,664, C deleted. VCF-style (leftmost placement, unchanged base first): chr11-61437663-GC-G. GRCh37 (hg19) VCF-style: chr11-61205135-GC-G.
Other names: short protein forms L26fs.
Identifiers: ClinVar variation 3721989 (VCV003721989.3).
Genomic context (GRCh38, chr11:61,437,663, plus strand): 5'-GTTTGTGGTTTGTTCATTTCAGATGCTTGCTCTGTCAAGGCACAGCCTATTGTCTCCTTT[GC>G]TCAGTGTGACATCATTCAGACGCTTCTACAGAGGTGACAGCCCAACAGATTCCCAAAAGG-3'